The following is an entry in ClinVar:

NM_004793.4(LONP1):c.2188G>A (p.Gly730Ser)

Gene: LONP1 (lon peptidase 1, mitochondrial; minus strand). Cytogenetic location: 19p13.3.
Variant type: single nucleotide variant.
Coding change: c.2188G>A on transcript NM_004793.4 (MANE Select); coding-DNA position 2188, G replaced by A.
Protein change: p.Gly730Ser; replaces glycine 730 with serine.
Molecular consequence: missense variant. On other transcripts: non-coding transcript variant (1).
Genome position (GRCh38, 1-based): chr19:5,694,519, C>T on the plus strand (G>A on the coding strand, the complement: LONP1 is on the minus strand). VCF-style: chr19-5694519-C-T. GRCh37 (hg19) VCF-style: chr19-5694530-C-T.
Other names: c.1996G>A, p.Gly666Ser (NM_001276479.2); c.1600G>A, p.Gly534Ser (NM_001276480.1); short protein forms G534S, G666S, G730S.
Identifiers: ClinVar variation 1372952 (VCV001372952.6), dbSNP rs748276414, ClinGen allele CA9114227.

ClinVar aggregate classification (germline): Uncertain significance (1 of 4 stars; one submission).

Allele frequency attached by ClinVar (database versions not stated): ExAC 0.00001; gnomAD 0.00001; gnomAD exomes 0.00001; TOPMed below 0.00001.
gnomAD v4.1: 16 of 1,613,040 alleles (0.00099%); highest among the groups gnomAD compares: East Asian, 0.0022%; no homozygotes.

Submission:

Labcorp Genetics (formerly Invitae), Labcorp
Classification: Uncertain significance. Last evaluated: 2022-07-26. Review status: criteria provided, single submitter. Criteria: Invitae Variant Classification Sherloc (09022015). Collection method: clinical testing. Allele origin: germline.
Comment: This sequence change replaces glycine, which is neutral and non-polar, with serine, which is neutral and polar, at codon 730 of the LONP1 protein (p.Gly730Ser). This variant is present in population databases (rs748276414, gnomAD 0.003%). This variant has not been reported in the literature in individuals affected with LONP1-related conditions. ClinVar contains an entry for this variant (Variation ID: 1372952). Algorithms developed to predict the effect of missense changes on protein structure and function (SIFT, PolyPhen-2, Align-GVGD) all suggest that this variant is likely to be tolerated. In summary, the available evidence is currently insufficient to determine the role of this variant in disease. Therefore, it has been classified as a Variant of Uncertain Significance.